The following is an entry in ClinVar:

NM_000330.4(RS1):c.52+3A>G

Gene: RS1 (retinoschisin 1; minus strand). Cytogenetic location: Xp22.13.
Variant type: single nucleotide variant.
Coding change: c.52+3A>G on transcript NM_000330.4 (MANE Select); 3 bases into the intron after coding-DNA position 52, A replaced by G.
Molecular consequence: intron variant.
Genome position (GRCh38, 1-based): chrX:18,672,014, T>C on the plus strand (A>G on the coding strand, the complement: RS1 is on the minus strand). VCF-style: chrX-18672014-T-C. GRCh37 (hg19) VCF-style: chrX-18690134-T-C.
Identifiers: ClinVar variation 1301833 (VCV001301833.6), dbSNP rs2147209764, ClinGen allele CA915940885.
Genomic context (GRCh38, chrX:18,672,014, plus strand): 5'-AACGATATTAATTAAATTATGTATTAAGTATGCAATGAATGTCAATGGTTGAATAGCACA[T>C]ACCTTCATAGCCAAAGAGAAGTAATAACAAAAAGCCTTCTATCTTGCGTGACATCTTCCC-3'

ClinVar aggregate classification (germline): Likely pathogenic. Review status: criteria provided, multiple submitters, no conflicts (2 of 4 stars). 4 submissions from 3 submitters: Likely pathogenic (3). 1 of the submissions does not count toward it. Last evaluated 2024-12-06.

Conditions:
Retinoschisis. Identifiers: MedGen C0152439, MONDO:0004579, HP:0030502.
Juvenile retinoschisis (RS1). Also called: X-Linked Juvenile Retinoschisis; X-linked retinoschisis. Identifiers: Orphanet 792, MedGen C3714753, MONDO:0010725, OMIM 312700.

Submissions (4):

GeneDx
Classification: Likely pathogenic. Last evaluated: 2024-12-06. Review status: criteria provided, single submitter. Criteria: GeneDx Variant Classification Process June 2021. Collection method: clinical testing. Allele origin: germline. Affected: yes.
Comment: Not observed at significant frequency in large population cohorts (gnomAD); In silico analysis indicates that this variant does not alter splicing; This variant is associated with the following publications: (PMID: 31725702, 36703223)

Dubai Health Genomic Medicine Center, Dubai Health
Classification: Likely pathogenic for Retinoschisis. Last evaluated: 2024-10-04. Review status: criteria provided, single submitter. Criteria: ACMG Guidelines, 2015. Collection method: research. Allele origin: germline. Affected: yes.
Comment: PM3, PM2, PP3, PP4

Molecular Genetics, Royal Melbourne Hospital
Classification: Likely pathogenic for Juvenile retinoschisis. Last evaluated: 2023-03-30. Review status: criteria provided, single submitter. Criteria: ACMG Guidelines, 2015. Collection method: clinical testing. Allele origin: germline. Affected: yes.
Comment: This sequence change falls in the splice region of the donor site of intron 1 of RS1. The variant is absent in a large population cohort (gnomAD v2.1), and has been identified in at least four male cases with a clinical diagnosis of retinoschisis (Royal Melbourne Hospital;PMID: 31725702). The nucleotide is conserved to mammals (100 vertebrates, UCSC), and multiple lines of computational evidence predict a impact on splicing (HSF, MaxEntScan, NNSplice). The predicted splicing aberration is expected to lead to loss or truncation of the protein, but has not been confirmed with patient RNA studies. Based on the classification scheme RMH ACMG Guidelines v1.2.1, this variant is classified as LIKELY PATHOGENIC. Following criteria are met: PS4, PM2, PP3.

Dubai Health Genomic Medicine Center, Dubai Health
Classification: Uncertain significance for Juvenile retinoschisis. Last evaluated: 2020-09-13. Review status: flagged submission. Criteria: ACMG Guidelines, 2015. Collection method: clinical testing. Allele origin: germline. Affected: yes. Not counted in ClinVar's aggregate classification.
Comment: The c.52+3A>G variant in RS1 has not been previously reported in affected individuals and was absent from large population studies such as the Genome Aggregation Database (gnomAD) and the Greater Middle East (GME) variome database. This variant is located in the 5' splice region. Computational tools suggest a possible impact to splicing though this information is not predictive enough to confirm pathogenicity. In summary additional information is needed to fully assess its clinical significance.
ClinVar note: Reason: New submission from submitter that appears to have been intended to update this older submission

Literature cited by the submitters: PubMed 31725702 (cited by Molecular Genetics, Royal Melbourne Hospital).